The following is an entry in ClinVar:

ClinVar aggregate classification (germline): Likely benign (1 of 4 stars; one submission).

Conditions:
Malignant hyperthermia, susceptibility to, 1 (MHS1). Also called: Anesthesia related hyperthermia; Malignant hyperpyrexia; Fulminating hyperpyrexia; Pharmacogenic myopathy; RYR1-Related Malignant Hyperthermia Susceptibility; Malignant hyperthermia suceptibility 1. Identifiers: Orphanet 423, MedGen C2930980, MONDO:0007783, OMIM 145600.

Submission:

All of Us Research Program, National Institutes of Health
Classification: Likely benign for Malignant hyperthermia, susceptibility to, 1. Last evaluated: 2023-10-02. Review status: criteria provided, single submitter. Criteria: ACMG Guidelines, 2015. Collection method: clinical testing. Allele origin: germline. Inheritance: Autosomal dominant inheritance. Observed: 1 variant allele, 1 heterozygote.
Comment: This study involves interpretation of variants in research participants for the purpose of population health screening. Participant phenotype was not available at the time of variant classification. Additional details can be found in publication PMID: 35346344, PMCID: PMC8962531

NM_000540.3(RYR1):c.4629C>T (p.Pro1543=)

Gene: RYR1 (ryanodine receptor 1; plus strand). Cytogenetic location: 19q13.2.
Variant type: single nucleotide variant.
Coding change: c.4629C>T on transcript NM_000540.3 (MANE Select); coding-DNA position 4629, C replaced by T.
Protein change: p.Pro1543=; no amino-acid change (proline 1543 retained).
Molecular consequence: synonymous variant.
Genome position (GRCh38, 1-based): chr19:38,483,035, C>T. VCF-style: chr19-38483035-C-T. GRCh37 (hg19) VCF-style: chr19-38973675-C-T.
Other names: c.4629C>T, p.Pro1543= (NM_001042723.2).
Identifiers: ClinVar variation 3073648 (VCV003073648.1), dbSNP rs2514210497, ClinGen allele CA507237735.